The following is an entry in ClinVar:

NM_001374736.1(DST):c.20524G>C (p.Val6842Leu)

Gene: DST (dystonin; minus strand). Cytogenetic location: 6p12.1.
Variant type: single nucleotide variant.
Coding change: c.20524G>C on transcript NM_001374736.1 (MANE Select); coding-DNA position 20524, G replaced by C.
Protein change: p.Val6842Leu; replaces valine 6842 with leucine.
Molecular consequence: missense variant.
Genome position (GRCh38, 1-based): chr6:56,492,960, C>G on the plus strand (G>C on the coding strand, the complement: DST is on the minus strand). VCF-style: chr6-56492960-C-G. GRCh37 (hg19) VCF-style: chr6-56357758-C-G.
Other names: p.Val4219Leu; c.14167G>C, p.Val4723Leu (NM_001144769.5); c.13753G>C, p.Val4585Leu (NM_001144770.2); c.20524G>C, p.Val6842Leu (NM_001374722.1); c.19564G>C, p.Val6522Leu (NM_001374729.1); c.13306G>C, p.Val4436Leu (NM_001374730.1); c.20551G>C, p.Val6851Leu (NM_001374734.1); c.13633G>C, p.Val4545Leu (NM_001386100.1, NM_183380.4); and 1 more; short protein forms V4436L, V4219L, V4545L, V6522L, V4585L, V6851L, V4723L, V6842L.
Identifiers: ClinVar variation 1434480 (VCV001434480.6), dbSNP rs769989434, ClinGen allele CA3866732.
Genomic context (GRCh38, chr6:56,492,960, plus strand): 5'-AAAGAGAATCCTATCTATTTGACTCACTACATACCTTGTGTTCGTCAATTTGAAATAAGA[C>G]TGTGTCCAAGATGAGACTTGGCCGAGAAGCTACATTTAGGGTCTGTTCAGCCTGAGTAAG-3'
Protein context (NP_001361665.1, residues 6832-6852): ASRPSLILDT[Val6842Leu]LFQIDEHKVF

ClinVar aggregate classification (germline): Uncertain significance. Review status: criteria provided, multiple submitters, no conflicts (2 of 4 stars). 2 submissions from 2 submitters: Uncertain significance (2). Last evaluated 2025-10-01.

Conditions:
Hereditary sensory and autonomic neuropathy type 6. Also called: HSAN VI; Neuropathy, hereditary sensory and autonomic, type VI. Identifiers: Orphanet 314381, MedGen C3539003, MONDO:0013839, OMIM 614653.
Epidermolysis bullosa simplex 3, localized or generalized intermediate, with BP230 deficiency (EBS3). Also called: Epidermolysis bullosa simplex, autosomal recessive 2; Epidermolysis bullosa simplex due to BP230 deficiency. Identifiers: Orphanet 412181, MedGen C3809470, MONDO:0014180, OMIM 615425.

Allele frequency attached by ClinVar (database versions not stated): ExAC 0.00001; gnomAD exomes 0.00001 and 0.00002; gnomAD 0.00002; TOPMed 0.00002.
gnomAD v4.1: 11 of 1,609,604 alleles (0.00068%); highest among the groups gnomAD compares: Non-Finnish European, 0.00093%; no homozygotes.

Submissions (2):

Labcorp Genetics (formerly Invitae), Labcorp
Classification: Uncertain significance for Epidermolysis bullosa simplex 3, localized or generalized intermediate, with BP230 deficiency; Hereditary sensory and autonomic neuropathy type 6. Last evaluated: 2025-10-01. Review status: criteria provided, single submitter. Criteria: Invitae Variant Classification Sherloc (09022015). Collection method: clinical testing. Allele origin: germline.
Comment: The DST gene has multiple clinically relevant transcripts. This variant occurs in alternate transcript NM_0015548.4, and corresponds to NM_001723.5:c.*122557G>C in the primary transcript. This sequence change replaces valine, which is neutral and non-polar, with leucine, which is neutral and non-polar, at codon 4219 of the DST protein (p.Val4219Leu). This variant is present in population databases (rs769989434, gnomAD 0.004%). This variant has not been reported in the literature in individuals affected with DST-related conditions. Experimental studies and prediction algorithms are not available or were not evaluated, and the functional significance of this variant is currently unknown. In summary, the available evidence is currently insufficient to determine the role of this variant in disease. Therefore, it has been classified as a Variant of Uncertain Significance.

Mayo Clinic Laboratories, Mayo Clinic
Classification: Uncertain significance. Last evaluated: 2024-05-08. Review status: criteria provided, single submitter. Criteria: ACMG Guidelines, 2015. Collection method: clinical testing. Allele origin: germline. Observed: 2 variant alleles.